The following is an entry in ClinVar:

ClinVar aggregate classification (germline): Conflicting classifications of pathogenicity. Review status: criteria provided, conflicting classifications (1 of 4 stars). 2 submissions from 2 submitters: Likely pathogenic (1); Uncertain significance (1). Last evaluated 2024-06-24.

Conditions:
Baraitser-Winter syndrome 1 (BRWS1). Also called: BARAITSER-WINTER SYNDROME 1, ATYPICAL; PACHYGYRIA, MENTAL RETARDATION, EPILEPSY, AND CHARACTERISTIC FACIES; MENTAL RETARDATION WITH EPILEPSY AND CHARACTERISTIC FACIES; Cerebrofrontofacial syndrome. Identifiers: Orphanet 2649, Orphanet 2995, MedGen C1855722, MONDO:0009470, OMIM 243310.
ACTB-related disorder. Also called: ACTB-related condition; ACTB-related disorders.

Submissions (2):

Labcorp Genetics (formerly Invitae), Labcorp
Classification: Uncertain significance for Baraitser-Winter syndrome 1. Last evaluated: 2024-06-24. Review status: criteria provided, single submitter. Criteria: Invitae Variant Classification Sherloc (09022015). Collection method: clinical testing. Allele origin: germline.
Comment: This sequence change replaces asparagine, which is neutral and polar, with serine, which is neutral and polar, at codon 12 of the ACTB protein (p.Asn12Ser). This variant is not present in population databases (gnomAD no frequency). This variant has not been reported in the literature in individuals affected with ACTB-related conditions. Advanced modeling of protein sequence and biophysical properties (such as structural, functional, and spatial information, amino acid conservation, physicochemical variation, residue mobility, and thermodynamic stability) performed at Invitae indicates that this missense variant is not expected to disrupt ACTB protein function with a negative predictive value of 80%. This variant disrupts the p.Asn12 amino acid residue in ACTB. Other variant(s) that disrupt this residue have been observed in individuals with ACTB-related conditions (PMID: 22366783, 25052316), which suggests that this may be a clinically significant amino acid residue. In summary, the available evidence is currently insufficient to determine the role of this variant in disease. Therefore, it has been classified as a Variant of Uncertain Significance.

Blueprint Genetics
Classification: Likely pathogenic for ACTB-related disorders. Last evaluated: 2022-09-13. Review status: criteria provided, single submitter. Criteria: ACMG Guidelines, 2015. Collection method: clinical testing. Allele origin: de novo. Affected: yes. Observed: 2 variant alleles.

Literature cited by the submitters: PubMed 22366783 (cited by Labcorp Genetics (formerly Invitae), Labcorp); PubMed 25052316 (cited by Labcorp Genetics (formerly Invitae), Labcorp).

NM_001101.5(ACTB):c.35A>G (p.Asn12Ser)

Gene: ACTB (actin beta; minus strand). Cytogenetic location: 7p22.1.
Variant type: single nucleotide variant.
Coding change: c.35A>G on transcript NM_001101.5 (MANE Select); coding-DNA position 35, A replaced by G.
Protein change: p.Asn12Ser; replaces asparagine 12 with serine.
Molecular consequence: missense variant.
Genome position (GRCh38, 1-based): chr7:5,529,623, T>C on the plus strand (A>G on the coding strand, the complement: ACTB is on the minus strand). VCF-style: chr7-5529623-T-C. GRCh37 (hg19) VCF-style: chr7-5569254-T-C.
Other names: short protein forms N12S.
Identifiers: ClinVar variation 3632540 (VCV003632540.3).
Genomic context (GRCh38, chr7:5,529,623, plus strand): 5'-GGGAAGACGGCCCGGGGGGCATCGTCGCCCGCGAAGCCGGCCTTGCACATGCCGGAGCCG[T>C]TGTCGACGACGAGCGCGGCGATATCATCATCCATGGTGAGCTGCGAGAATAGCCGGGCGC-3'
Protein context (NP_001092.1, residues 2-22): DDDIAALVVD[Asn12Ser]GSGMCKAGFA